The following is an entry in ClinVar:

ClinVar aggregate classification (germline): Uncertain significance (1 of 4 stars; one submission).

Conditions:
Early-infantile DEE. Also called: Ohtahara syndrome; Early infantile epileptic encephalopathy; Early infantile epileptic encephalopathy with suppression bursts. Identifiers: Orphanet 1934, MedGen C0393706, MONDO:0800491.

Submission:

Labcorp Genetics (formerly Invitae), Labcorp
Classification: Uncertain significance for Early-infantile DEE. Last evaluated: 2023-08-17. Review status: criteria provided, single submitter. Criteria: Invitae Variant Classification Sherloc (09022015). Collection method: clinical testing. Allele origin: germline.
Comment: In summary, the available evidence is currently insufficient to determine the role of this variant in disease. Therefore, it has been classified as a Variant of Uncertain Significance. An algorithm developed to predict the effect of missense changes on protein structure and function (PolyPhen-2) suggests that this variant is likely to be disruptive. This variant has not been reported in the literature in individuals affected with KCNQ2-related conditions. This variant is not present in population databases (gnomAD no frequency). This sequence change replaces aspartic acid, which is acidic and polar, with glycine, which is neutral and non-polar, at codon 844 of the KCNQ2 protein (p.Asp844Gly).

NM_172107.4(KCNQ2):c.2531A>G (p.Asp844Gly)

Gene: KCNQ2 (potassium voltage-gated channel subfamily Q member 2; minus strand). Cytogenetic location: 20q13.33.
Variant type: single nucleotide variant.
Coding change: c.2531A>G on transcript NM_172107.4 (MANE Select); coding-DNA position 2531, A replaced by G.
Protein change: p.Asp844Gly; replaces aspartic acid 844 with glycine.
Molecular consequence: missense variant.
Genome position (GRCh38, 1-based): chr20:63,406,732, T>C on the plus strand (A>G on the coding strand, the complement: KCNQ2 is on the minus strand). VCF-style: chr20-63406732-T-C. GRCh37 (hg19) VCF-style: chr20-62038085-T-C.
Other names: c.2585A>G, p.Asp862Gly (NM_001382235.1); c.2447A>G, p.Asp816Gly (NM_004518.6); c.2477A>G, p.Asp826Gly (NM_172106.3); c.2438A>G, p.Asp813Gly (NM_172108.5); short protein forms D844G, D816G, D826G, D813G, D862G.
Identifiers: ClinVar variation 2753430 (VCV002753430.3), dbSNP rs1391154715, ClinGen allele CA409636667.